The following is an entry in ClinVar:

NM_024649.5(BBS1):c.316C>G (p.Leu106Val)

Gene: BBS1 (Bardet-Biedl syndrome 1; plus strand). Cytogenetic location: 11q13.2.
Variant type: single nucleotide variant.
Coding change: c.316C>G on transcript NM_024649.5 (MANE Select); coding-DNA position 316, C replaced by G.
Protein change: p.Leu106Val; replaces leucine 106 with valine.
Molecular consequence: missense variant.
Genome position (GRCh38, 1-based): chr11:66,514,562, C>G. VCF-style: chr11-66514562-C-G. GRCh37 (hg19) VCF-style: chr11-66282033-C-G.
Other names: short protein forms L106V.
Identifiers: ClinVar variation 100591 (VCV000100591.22), dbSNP rs137853913, ClinGen allele CA228932.

ClinVar aggregate classification (germline): Uncertain significance. Review status: criteria provided, multiple submitters, no conflicts (2 of 4 stars). 13 submissions from 13 submitters: Uncertain significance (8). 5 of the submissions do not count toward it. Last evaluated 2024-11-04.

Conditions:
BBS1-related ciliopathy. Identifiers: MedGen CN378629, MONDO:1040043.
Inborn genetic diseases. Identifiers: MedGen C0950123, MeSH D030342.
Bardet-Biedl syndrome 1 (BBS1). Identifiers: MedGen C2936862, MONDO:0008854, OMIM 209900. Disease mechanism: loss of function.
Bardet-Biedl syndrome (BBS). Identifiers: Orphanet 110, MedGen C0752166, MONDO:0015229.
BBS1-related disorder. Also called: BBS1-related condition.

Allele frequency attached by ClinVar (database versions not stated): ESP Exome Variant Server 0.00015; TOPMed 0.00022.
gnomAD v4.1: 303 of 1,614,080 alleles (0.019%); highest among the groups gnomAD compares: Non-Finnish European, 0.023%; 1 homozygote.

Submissions (13):

Blueprint Genetics
Classification: Uncertain significance. Last evaluated: 2024-11-04. Review status: criteria provided, single submitter. Criteria: ACMG Guidelines, 2015. Collection method: clinical testing. Allele origin: germline.

Women's Health and Genetics/Laboratory Corporation of America, LabCorp
Classification: Uncertain significance. Last evaluated: 2024-06-21. Review status: criteria provided, single submitter. Criteria: LabCorp Variant Classification Summary - May 2015. Collection method: clinical testing. Allele origin: germline.
Comment: Variant summary: BBS1 c.316C>G (p.Leu106Val) results in a conservative amino acid change located in the Bardet-Biedl syndrome 1, N-terminal domain (IPR032728) of the encoded protein sequence. Five of five in-silico tools predict a benign effect of the variant on protein function. The variant allele was found at a frequency of 0.00013 in 251422 control chromosomes. This frequency is not significantly higher than estimated for a pathogenic variant in BBS1 causing Bardet-Biedl Syndrome (0.00013 vs 0.0015), allowing no conclusion about variant significance. To our knowledge, no occurrence of c.316C>G in individuals affected with Bardet-Biedl Syndrome and no experimental evidence demonstrating its impact on protein function have been reported. ClinVar contains an entry for this variant (Variation ID: 100591). Based on the evidence outlined above, the variant was classified as uncertain significance.

Fulgent Genetics
Classification: Uncertain significance for Bardet-Biedl syndrome 1. Last evaluated: 2024-05-02. Review status: criteria provided, single submitter. Criteria: ACMG Guidelines, 2015. Collection method: clinical testing. Allele origin: germline.

Labcorp Genetics (formerly Invitae), Labcorp
Classification: Uncertain significance for Bardet-Biedl syndrome. Last evaluated: 2022-09-13. Review status: criteria provided, single submitter. Criteria: Invitae Variant Classification Sherloc (09022015). Collection method: clinical testing. Allele origin: germline.
Comment: This sequence change replaces leucine, which is neutral and non-polar, with valine, which is neutral and non-polar, at codon 106 of the BBS1 protein (p.Leu106Val). This variant is present in population databases (rs137853913, gnomAD 0.02%). This variant has not been reported in the literature in individuals affected with BBS1-related conditions. ClinVar contains an entry for this variant (Variation ID: 100591). Advanced modeling of protein sequence and biophysical properties (such as structural, functional, and spatial information, amino acid conservation, physicochemical variation, residue mobility, and thermodynamic stability) performed at Invitae indicates that this missense variant is not expected to disrupt BBS1 protein function. In summary, the available evidence is currently insufficient to determine the role of this variant in disease. Therefore, it has been classified as a Variant of Uncertain Significance.

Ambry Genetics
Classification: Uncertain significance for Inborn genetic diseases. Last evaluated: 2022-02-28. Review status: criteria provided, single submitter. Criteria: Ambry Variant Classification Scheme 2023. Collection method: clinical testing. Allele origin: germline.

Department of Pathology and Laboratory Medicine, Sinai Health System
Classification: Uncertain significance for BBS1-related ciliopathy. Last evaluated: 2022-01-25. Review status: criteria provided, single submitter. Criteria: ACMG Guidelines, 2015. Collection method: research. Allele origin: germline.

Illumina Laboratory Services, Illumina
Classification: Uncertain significance for Bardet-Biedl syndrome 1. Last evaluated: 2018-01-12. Review status: criteria provided, single submitter. Criteria: ICSL Variant Classification Criteria 13 December 2019. Collection method: clinical testing. Allele origin: germline.

Center for Pediatric Genomic Medicine, Children's Mercy Hospital and Clinics
Classification: Uncertain significance. Last evaluated: 2017-03-09. Review status: criteria provided, single submitter. Criteria: ACMG Guidelines, 2015. Collection method: clinical testing. Allele origin: germline.

PreventionGenetics, part of Exact Sciences
Classification: Uncertain significance for BBS1-related condition. Last evaluated: 2024-02-14. Review status: no assertion criteria provided. Collection method: clinical testing. Allele origin: germline. Not counted in ClinVar's aggregate classification.
Comment: The BBS1 c.316C>G variant is predicted to result in the amino acid substitution p.Leu106Val. To our knowledge, this variant has not been reported in the literature. This variant is reported in 0.023% of alleles in individuals of European (non-Finnish) descent in gnomAD. Of note, in multiple species a valine (Val) is present at the Leu106 residue. At this time, the clinical significance of this variant is uncertain due to the absence of conclusive functional and genetic evidence.

Natera, Inc.
Classification: Uncertain significance for Bardet-Biedl syndrome type 1. Last evaluated: 2020-04-14. Review status: no assertion criteria provided. Collection method: clinical testing. Allele origin: germline. Not counted in ClinVar's aggregate classification.

Clinical Genetics DNA and cytogenetics Diagnostics Lab, Erasmus MC, Erasmus Medical Center
Classification: Likely benign. Review status: no assertion criteria provided. Collection method: clinical testing. Allele origin: germline. Affected: yes. Study: VKGL Data-share Consensus. Not counted in ClinVar's aggregate classification.

Genome Diagnostics Laboratory, University Medical Center Utrecht
Classification: Benign. Review status: no assertion criteria provided. Collection method: clinical testing. Allele origin: germline. Affected: yes. Study: VKGL Data-share Consensus. Not counted in ClinVar's aggregate classification.

NEI Ophthalmic Genomics Laboratory, National Institutes of Health
No classification provided. Review status: no classification provided. Collection method: not provided. Allele origin: not provided. Not counted in ClinVar's aggregate classification.